The following is an entry in ClinVar:

NM_006846.4(SPINK5):c.2540A>T (p.Asp847Val)

Gene: SPINK5 (serine peptidase inhibitor Kazal type 5; plus strand). Cytogenetic location: 5q32.
Variant type: single nucleotide variant.
Coding change: c.2540A>T on transcript NM_006846.4 (MANE Select); coding-DNA position 2540, A replaced by T.
Protein change: p.Asp847Val; replaces aspartic acid 847 with valine.
Molecular consequence: missense variant.
Genome position (GRCh38, 1-based): chr5:148,123,834, A>T. VCF-style: chr5-148123834-A-T. GRCh37 (hg19) VCF-style: chr5-147503397-A-T.
Other names: c.2540A>T, p.Asp847Val (NM_001127698.2, NM_001127699.2); short protein forms D847V.
Identifiers: ClinVar variation 1915491 (VCV001915491.3), dbSNP rs766647349, ClinGen allele CA3496034.

ClinVar aggregate classification (germline): Uncertain significance (1 of 4 stars; one submission).

Conditions:
Ichthyosis linearis circumflexa. Identifiers: MedGen C0265962, MONDO:0043106, HP:0025810.

Allele frequency attached by ClinVar (database versions not stated): ExAC 0.00001; gnomAD 0.00001; gnomAD exomes 0.00001.

Submission:

Labcorp Genetics (formerly Invitae), Labcorp
Classification: Uncertain significance for Ichthyosis linearis circumflexa. Last evaluated: 2022-07-14. Review status: criteria provided, single submitter. Criteria: Invitae Variant Classification Sherloc (09022015). Collection method: clinical testing. Allele origin: germline.
Comment: In summary, the available evidence is currently insufficient to determine the role of this variant in disease. Therefore, it has been classified as a Variant of Uncertain Significance. Algorithms developed to predict the effect of missense changes on protein structure and function are either unavailable or do not agree on the potential impact of this missense change (SIFT: "Deleterious"; PolyPhen-2: "Probably Damaging"; Align-GVGD: "Class C0"). This variant has not been reported in the literature in individuals affected with SPINK5-related conditions. This variant is present in population databases (rs766647349, gnomAD 0.02%). This sequence change replaces aspartic acid, which is acidic and polar, with valine, which is neutral and non-polar, at codon 847 of the SPINK5 protein (p.Asp847Val).